The following is an entry in ClinVar:

ClinVar aggregate classification (germline): Uncertain significance (1 of 4 stars; one submission).

Allele frequency attached by ClinVar (database versions not stated): gnomAD exomes below 0.00001; ExAC 0.00001; gnomAD 0.00001.
gnomAD v4.1: 2 of 1,614,138 alleles (0.00012%); highest among the groups gnomAD compares: Non-Finnish European, 0.00017%; no homozygotes.

Submission:

Labcorp Genetics (formerly Invitae), Labcorp
Classification: Uncertain significance. Last evaluated: 2022-05-07. Review status: criteria provided, single submitter. Criteria: Invitae Variant Classification Sherloc (09022015). Collection method: clinical testing. Allele origin: germline.
Comment: In summary, the available evidence is currently insufficient to determine the role of this variant in disease. Therefore, it has been classified as a Variant of Uncertain Significance. Algorithms developed to predict the effect of missense changes on protein structure and function are either unavailable or do not agree on the potential impact of this missense change (SIFT: "Deleterious"; PolyPhen-2: "Probably Damaging"; Align-GVGD: "Class C0"). This variant has not been reported in the literature in individuals affected with C2-related conditions. This variant is present in population databases (rs775495385, gnomAD 0.0009%). This sequence change replaces tyrosine, which is neutral and polar, with histidine, which is basic and polar, at codon 100 of the C2 protein (p.Tyr100His).

NM_000063.6(C2):c.298T>C (p.Tyr100His)

Gene: C2 (complement C2; plus strand). Cytogenetic location: 6p21.33.
Variant type: single nucleotide variant.
Coding change: c.298T>C on transcript NM_000063.6 (MANE Select); coding-DNA position 298, T replaced by C.
Protein change: p.Tyr100His; replaces tyrosine 100 with histidine.
Molecular consequence: missense variant. On other transcripts: genic upstream transcript variant (2), intron variant (1).
Genome position (GRCh38, 1-based): chr6:31,928,773, T>C. VCF-style: chr6-31928773-T-C. GRCh37 (hg19) VCF-style: chr6-31896550-T-C.
Other names: c.211T>C, p.Tyr71His (NM_001282458.2); c.298T>C, p.Tyr100His (NM_001282459.2); c.-63-4837T>C (NM_001282457.2); c.74-4837T>C (NM_001178063.3); c.46+975T>C (NM_001145903.3); short protein forms Y100H, Y71H.
Identifiers: ClinVar variation 2135155 (VCV002135155.4), dbSNP rs775495385, ClinGen allele CA3727337.